The following is an entry in ClinVar:

NM_001085049.3(MRAS):c.307G>A (p.Val103Met)

Gene: MRAS (muscle RAS oncogene homolog; plus strand). Cytogenetic location: 3q22.3.
Variant type: single nucleotide variant.
Coding change: c.307G>A on transcript NM_001085049.3 (MANE Select); coding-DNA position 307, G replaced by A.
Protein change: p.Val103Met; replaces valine 103 with methionine.
Molecular consequence: missense variant.
Genome position (GRCh38, 1-based): chr3:138,397,437, G>A. VCF-style: chr3-138397437-G-A. GRCh37 (hg19) VCF-style: chr3-138116279-G-A.
Other names: c.307G>A, p.Val103Met (NM_001252090.2, NM_012219.4); c.79G>A, p.Val27Met (NM_001252091.1, NM_001252092.2, NM_001252093.2); short protein forms V103M, V27M.
Identifiers: ClinVar variation 2993630 (VCV002993630.3), dbSNP rs1307344253, ClinGen allele CA354673059.

ClinVar aggregate classification (germline): Uncertain significance (1 of 4 stars; one submission).

Allele frequency attached by ClinVar (database versions not stated): gnomAD exomes below 0.00001; gnomAD 0.00001.
gnomAD v4.1: 2 of 1,614,056 alleles (0.00012%); highest among the groups gnomAD compares: African/African-American, 0.0013%; no homozygotes.

Submission:

Labcorp Genetics (formerly Invitae), Labcorp
Classification: Uncertain significance. Last evaluated: 2023-02-14. Review status: criteria provided, single submitter. Criteria: Invitae Variant Classification Sherloc (09022015). Collection method: clinical testing. Allele origin: germline.
Comment: This sequence change replaces valine, which is neutral and non-polar, with methionine, which is neutral and non-polar, at codon 103 of the MRAS protein (p.Val103Met). This variant is present in population databases (no rsID available, gnomAD 0.01%). This variant has not been reported in the literature in individuals affected with MRAS-related conditions. In summary, the available evidence is currently insufficient to determine the role of this variant in disease. Therefore, it has been classified as a Variant of Uncertain Significance. Algorithms developed to predict the effect of missense changes on protein structure and function are either unavailable or do not agree on the potential impact of this missense change (SIFT: "Deleterious"; PolyPhen-2: "Possibly Damaging"; Align-GVGD: "Class C15").